The following is an entry in ClinVar:

NM_024753.5(TTC21B):c.2816G>A (p.Arg939Gln)

Gene: TTC21B (tetratricopeptide repeat domain 21B; minus strand). Cytogenetic location: 2q24.3.
Variant type: single nucleotide variant.
Coding change: c.2816G>A on transcript NM_024753.5 (MANE Select); coding-DNA position 2816, G replaced by A.
Protein change: p.Arg939Gln; replaces arginine 939 with glutamine.
Molecular consequence: missense variant.
Genome position (GRCh38, 1-based): chr2:165,899,822, C>T on the plus strand (G>A on the coding strand, the complement: TTC21B is on the minus strand). VCF-style: chr2-165899822-C-T. GRCh37 (hg19) VCF-style: chr2-166756332-C-T.
Other names: c.2816G>A (NM_024753.4); short protein forms R939Q.
Identifiers: ClinVar variation 1631444 (VCV001631444.10), dbSNP rs751382210, ClinGen allele CA1941691.

ClinVar aggregate classification (germline): Conflicting classifications of pathogenicity. Review status: criteria provided, conflicting classifications (1 of 4 stars). 3 submissions from 3 submitters: Uncertain significance (1); Likely benign (2). Last evaluated 2025-03-28.

Conditions:
TTC21B-related disorder. Also called: TTC21B-related disorders; TTC21B-related condition.
Jeune thoracic dystrophy. Also called: Short-rib thoracic dysplasia; Jeune syndrome; Infantile thoracic dystrophy; Thoracic pelvic phalangeal dystrophy; Jeune's syndrome; Chondroectodermal dysplasia-like syndrome. Identifiers: Orphanet 474, MedGen C0265275, MONDO:0018770.
Nephronophthisis. Also called: Juvenile Nephronophthisis. Identifiers: Orphanet 655, MedGen C0687120, MONDO:0019005, HP:0000090.

Allele frequency attached by ClinVar (database versions not stated): gnomAD 0.00001 and 0.00003; TOPMed 0.00001; ExAC 0.00006; gnomAD exomes 0.00006 and 0.00008.
gnomAD v4.1: 96 of 1,613,802 alleles (0.0059%); highest among the groups gnomAD compares: South Asian, 0.085%; 1 homozygote.

Submissions (3):

PreventionGenetics, part of Exact Sciences
Classification: Uncertain significance for TTC21B-related condition. Last evaluated: 2025-03-28. Review status: criteria provided, single submitter. Criteria: ACMG Guidelines, 2015. Collection method: clinical testing. Allele origin: germline.
Comment: The TTC21B c.2816G>A variant is predicted to result in the amino acid substitution p.Arg939Gln. To our knowledge, this variant has not been reported in the literature. This variant is reported in 0.069% of alleles in individuals of South Asian descent in gnomAD. Although we suspect that this variant may be benign, at this time, the clinical significance of this variant is uncertain due to the absence of conclusive functional and genetic evidence.

Labcorp Genetics (formerly Invitae), Labcorp
Classification: Likely benign for Jeune thoracic dystrophy; Nephronophthisis. Last evaluated: 2024-10-25. Review status: criteria provided, single submitter. Criteria: Invitae Variant Classification Sherloc (09022015). Collection method: clinical testing. Allele origin: germline.

Blueprint Genetics
Classification: Likely benign. Last evaluated: 2022-06-28. Review status: criteria provided, single submitter. Criteria: ACMG Guidelines, 2015. Collection method: clinical testing. Allele origin: germline.